The following is an entry in ClinVar:

NM_000062.3(SERPING1):c.859C>T (p.Leu287Phe)

Gene: SERPING1 (serpin family G member 1; plus strand). Cytogenetic location: 11q12.1.
Variant type: single nucleotide variant.
Coding change: c.859C>T on transcript NM_000062.3 (MANE Select); coding-DNA position 859, C replaced by T.
Protein change: p.Leu287Phe; replaces leucine 287 with phenylalanine.
Molecular consequence: missense variant.
Genome position (GRCh38, 1-based): chr11:57,606,183, C>T. VCF-style: chr11-57606183-C-T. GRCh37 (hg19) VCF-style: chr11-57373656-C-T.
Other names: c.859C>T, p.Leu287Phe (NM_001032295.2); short protein forms L287F.
Identifiers: ClinVar variation 2868738 (VCV002868738.4), dbSNP rs766124386, ClinGen allele CA6008131.
Genomic context (GRCh38, chr11:57,606,183, plus strand): 5'-GCCAAGAACACCAACAACAAGATCAGCCGGCTGCTAGACAGTCTGCCCTCCGATACCCGC[C>T]TTGTCCTCCTCAATGCTATCTACCTGAGTGGTAAGGGTGCCCTTAGCCAGTTAGTCTTCC-3'
Protein context (NP_000053.2, residues 277-297): LLDSLPSDTR[Leu287Phe]VLLNAIYLSA

ClinVar aggregate classification (germline): Uncertain significance. Review status: criteria provided, multiple submitters, no conflicts (2 of 4 stars). 2 submissions from 2 submitters: Uncertain significance (2). Last evaluated 2025-12-16.

Conditions:
Inborn genetic diseases. Identifiers: MedGen C0950123, MeSH D030342.

Allele frequency attached by ClinVar (database versions not stated): ExAC 0.00001; gnomAD 0.00001; gnomAD exomes 0.00002; TOPMed 0.00002.

Submissions (2):

Ambry Genetics
Classification: Uncertain significance for Inborn genetic diseases. Last evaluated: 2025-12-16. Review status: criteria provided, single submitter. Criteria: Ambry Variant Classification Scheme 2023. Collection method: clinical testing. Allele origin: germline.

Labcorp Genetics (formerly Invitae), Labcorp
Classification: Uncertain significance. Last evaluated: 2022-10-31. Review status: criteria provided, single submitter. Criteria: Invitae Variant Classification Sherloc (09022015). Collection method: clinical testing. Allele origin: germline.
Comment: Advanced modeling of protein sequence and biophysical properties (such as structural, functional, and spatial information, amino acid conservation, physicochemical variation, residue mobility, and thermodynamic stability) has been performed at Invitae for this missense variant, however the output from this modeling did not meet the statistical confidence thresholds required to predict the impact of this variant on SERPING1 protein function. This variant has not been reported in the literature in individuals affected with SERPING1-related conditions. This variant is present in population databases (rs766124386, gnomAD 0.002%). This sequence change replaces leucine, which is neutral and non-polar, with phenylalanine, which is neutral and non-polar, at codon 287 of the SERPING1 protein (p.Leu287Phe). In summary, the available evidence is currently insufficient to determine the role of this variant in disease. Therefore, it has been classified as a Variant of Uncertain Significance.